The following is an entry in ClinVar:

ClinVar aggregate classification (germline): Pathogenic. Review status: criteria provided, multiple submitters, no conflicts (2 of 4 stars). 2 submissions from 2 submitters: Pathogenic (2). Last evaluated 2024-01-31.

Conditions:
Polycystic kidney disease 2 (PKD2). Also called: Polycystic Kidney Disease 2, Autosomal Dominant; POLYCYSTIC KIDNEY DISEASE 2 WITH OR WITHOUT POLYCYSTIC LIVER DISEASE; POLYCYSTIC KIDNEY DISEASE, ADULT, TYPE II. Identifiers: MedGen C2751306, MONDO:0013131, OMIM 613095.
PKD2-related disorder. Also called: PKD2-related condition.

Submissions (2):

Blueprint Genetics
Classification: Pathogenic for PKD2-related disorders. Last evaluated: 2024-01-31. Review status: criteria provided, single submitter. Criteria: ACMG Guidelines, 2015. Collection method: clinical testing. Allele origin: germline. Affected: yes. Observed: 5 variant alleles.

Women's Health and Genetics/Laboratory Corporation of America, LabCorp
Classification: Pathogenic for Polycystic kidney disease 2. Last evaluated: 2023-05-26. Review status: criteria provided, single submitter. Criteria: LabCorp Variant Classification Summary - May 2015. Collection method: clinical testing. Allele origin: germline.
Comment: Variant summary: PKD2 c.596-12_599del16 is located in a canonical splice-site and is predicted to affect mRNA splicing resulting in a significantly altered protein due to either exon skipping, shortening, or inclusion of intronic material. The variant was absent in 246490 control chromosomes. c.596-12_599del16 has been reported in the literature in multiple individuals affected with Polycystic Kidney Disease 2 (Veldhuisen_1997) and segregates with disease. These data indicate that the variant is very likely to be associated with disease. To our knowledge, no experimental evidence demonstrating an impact on protein function has been reported. No clinical diagnostic laboratories have submitted clinical-significance assessments for this variant to ClinVar after 2014. Based on the evidence outlined above, the variant was classified as pathogenic.

Literature cited by the submitters: PubMed 9326320 (cited by Women's Health and Genetics/Laboratory Corporation of America, LabCorp).

NM_000297.4(PKD2):c.596-12_599del

Gene: PKD2 (polycystin 2, transient receptor potential cation channel; plus strand). Cytogenetic location: 4q22.1.
Variant type: Deletion.
Coding change: c.596-12_599del on transcript NM_000297.4 (MANE Select); 12 bases into the intron before coding-DNA position 596 through coding-DNA position 599, 16 bases deleted (ATTATTTTAAAGGTCT).
Molecular consequence: splice acceptor variant.
Genome position (GRCh38, 1-based): chr4:88,019,446-88,019,461, ATTATTTTAAAGGTCT deleted; deleting any 16 consecutive bases within chr4:88,019,445-88,019,461 gives the same sequence; the c. name uses the placement nearest the transcript's 3' end. VCF-style (leftmost placement, unchanged base first): chr4-88019444-TTATTATTTTAAAGGTC-T. GRCh37 (hg19) VCF-style: chr4-88940596-TTATTATTTTAAAGGTC-T.
Identifiers: ClinVar variation 2506174 (VCV002506174.2), dbSNP rs1560597869, ClinGen allele CA917247304.
Genomic context (GRCh38, chr4:88,019,444, plus strand): 5'-ATTTTCCCTTTTGCCATTCATGAGATTTCTTAAATAAAATGATATCTTTTCTTTTCTTCA[TTATTATTTTAAAGGTC>T]TCTGGGGAACAAGACTCATGGAGGAAAGCAGCACTAACCGAGAGAAATACCTTAAAAGTG-3'